The following is an entry in ClinVar:

NM_175875.5(SIX5):c.161C>T (p.Ala54Val)

Genes: SIX5 (SIX homeobox 5; minus strand), DM1-AS (DM1 locus antisense RNA; plus strand), LOC129929037 (ATAC-STARR-seq lymphoblastoid silent region 10794; plus strand), LOC107075317 (origin of replication in DMPK trinucleotide repeat region; plus strand). Cytogenetic location: 19q13.32.
Variant type: single nucleotide variant.
Coding change: c.161C>T on transcript NM_175875.5 (MANE Select); coding-DNA position 161, C replaced by T.
Protein change: p.Ala54Val; replaces alanine 54 with valine.
Molecular consequence: missense variant.
Genome position (GRCh38, 1-based): chr19:45,768,684, G>A on the plus strand (C>T on the coding strand, the complement: SIX5 is on the minus strand). VCF-style: chr19-45768684-G-A. GRCh37 (hg19) VCF-style: chr19-46271942-G-A.
Other names: c.161C>T (NM_175875.4); short protein forms A54V.
Identifiers: ClinVar variation 2085283 (VCV002085283.19), dbSNP rs1343240837, ClinGen allele CA406424499.

ClinVar aggregate classification (germline): Conflicting classifications of pathogenicity. Review status: criteria provided, conflicting classifications (1 of 4 stars). 4 submissions from 4 submitters: Uncertain significance (3); Likely benign (1). Last evaluated 2025-12-03.

Allele frequency attached by ClinVar (database versions not stated): gnomAD exomes 0.00007; TOPMed 0.00009; gnomAD 0.00010.
gnomAD v4.1: 87 of 1,180,970 alleles (0.0074%); highest among the groups gnomAD compares: Non-Finnish European, 0.0083%; no homozygotes.

Submissions (4):

Labcorp Genetics (formerly Invitae), Labcorp
Classification: Uncertain significance. Last evaluated: 2025-12-03. Review status: criteria provided, single submitter. Criteria: Invitae Variant Classification Sherloc (09022015). Collection method: clinical testing. Allele origin: germline.
Comment: This sequence change replaces alanine, which is neutral and non-polar, with valine, which is neutral and non-polar, at codon 54 of the SIX5 protein (p.Ala54Val). The frequency data for this variant in the population databases is considered unreliable, as metrics indicate poor data quality at this position in the gnomAD database. This variant has not been reported in the literature in individuals affected with SIX5-related conditions. ClinVar contains an entry for this variant (Variation ID: 2085283). Invitae Evidence Modeling of protein sequence and biophysical properties (such as structural, functional, and spatial information, amino acid conservation, physicochemical variation, residue mobility, and thermodynamic stability) indicates that this missense variant is not expected to disrupt SIX5 protein function with a negative predictive value of 80%. In summary, the available evidence is currently insufficient to determine the role of this variant in disease. Therefore, it has been classified as a Variant of Uncertain Significance.

Laboratory of Genetics, Children's Clinical University Hospital Latvia
Classification: Likely benign. Last evaluated: 2025-02-16. Review status: criteria provided, single submitter. Criteria: ACMG Guidelines, 2015. Collection method: clinical testing. Allele origin: germline. Affected: yes.

CeGaT Center for Human Genetics Tuebingen
Classification: Uncertain significance. Last evaluated: 2024-12-01. Review status: criteria provided, single submitter. Criteria: CeGaT Center For Human Genetics Tuebingen Variant Classification Criteria Version 2. Collection method: clinical testing. Allele origin: germline. Affected: yes. Observed: 1 variant allele.
Comment: SIX5: PP2

Ambry Genetics
Classification: Uncertain significance. Last evaluated: 2023-12-13. Review status: criteria provided, single submitter. Criteria: Ambry Variant Classification Scheme 2023. Collection method: clinical testing. Allele origin: germline.